The following is an entry in ClinVar:

NM_003098.3(SNTA1):c.1420G>A (p.Glu474Lys)

Gene: SNTA1 (syntrophin alpha 1; minus strand). Cytogenetic location: 20q11.21.
Variant type: single nucleotide variant.
Coding change: c.1420G>A on transcript NM_003098.3 (MANE Select); coding-DNA position 1420, G replaced by A.
Protein change: p.Glu474Lys; replaces glutamic acid 474 with lysine.
Molecular consequence: missense variant.
Genome position (GRCh38, 1-based): chr20:33,408,706, C>T on the plus strand (G>A on the coding strand, the complement: SNTA1 is on the minus strand). VCF-style: chr20-33408706-C-T. GRCh37 (hg19) VCF-style: chr20-31996512-C-T.
Other names: c.1420G>A (NM_003098.2); short protein forms E474K.
Identifiers: ClinVar variation 1677746 (VCV001677746.3), dbSNP rs2146754197, ClinGen allele CA408630076.
Genomic context (GRCh38, chr20:33,408,706, plus strand): 5'-CTCCGAGAGTGCACACCCCCTCCTCCCCAGGGTGCAGAGGCAGCCCCTCACTCACGATCT[C>T]GCCTTCAGCACCTCCAAAATCCAGGAAAAGGAGACTGGCACCGTCATCTGAAGACATCTG-3'
Protein context (NP_003089.1, residues 464-484): LFLDFGGAEG[Glu474Lys]IQLDLHSCPK

ClinVar aggregate classification (germline): Uncertain significance. Review status: criteria provided, multiple submitters, no conflicts (2 of 4 stars). 3 submissions from 3 submitters: Uncertain significance (3). Last evaluated 2025-11-02.

Conditions:
Long QT syndrome (LQTS). Identifiers: MedGen C0023976, MeSH D008133, MONDO:0002442. Disease mechanism: loss of function. Inheritance: Various modes of inheritance.
Cardiovascular phenotype. Identifiers: MedGen CN230736.

Allele frequency attached by ClinVar (database versions not stated): gnomAD exomes 0.00001.
gnomAD v4.1: 8 of 1,614,082 alleles (0.0005%); highest among the groups gnomAD compares: East Asian, 0.0022%; no homozygotes.

Submissions (3):

Ambry Genetics
Classification: Uncertain significance for Cardiovascular phenotype. Last evaluated: 2025-11-02. Review status: criteria provided, single submitter. Criteria: Ambry Variant Classification Scheme 2023. Collection method: clinical testing. Allele origin: germline.
Comment: The p.E474K variant (also known as c.1420G>A), located in coding exon 7 of the SNTA1 gene, results from a G to A substitution at nucleotide position 1420. The glutamic acid at codon 474 is replaced by lysine, an amino acid with similar properties. This amino acid position is conserved. In addition, this alteration is predicted to be deleterious by in silico analysis. Based on the available evidence, the clinical significance of this variant remains unclear.

Labcorp Genetics (formerly Invitae), Labcorp
Classification: Uncertain significance for Long QT syndrome. Last evaluated: 2025-09-23. Review status: criteria provided, single submitter. Criteria: Invitae Variant Classification Sherloc (09022015). Collection method: clinical testing. Allele origin: germline.
Comment: This sequence change replaces glutamic acid, which is acidic and polar, with lysine, which is basic and polar, at codon 474 of the SNTA1 protein (p.Glu474Lys). This variant is not present in population databases (gnomAD no frequency). This variant has not been reported in the literature in individuals affected with SNTA1-related conditions. ClinVar contains an entry for this variant (Variation ID: 1677746). Invitae Evidence Modeling of protein sequence and biophysical properties (such as structural, functional, and spatial information, amino acid conservation, physicochemical variation, residue mobility, and thermodynamic stability) indicates that this missense variant is not expected to disrupt SNTA1 protein function with a negative predictive value of 80%. In summary, the available evidence is currently insufficient to determine the role of this variant in disease. Therefore, it has been classified as a Variant of Uncertain Significance.

AiLife Diagnostics
Classification: Uncertain significance. Last evaluated: 2021-12-30. Review status: criteria provided, single submitter. Criteria: ACMG Guidelines, 2015. Collection method: clinical testing. Allele origin: germline. Affected: yes. Observed: 1 variant allele.